The following is an entry in ClinVar:

ClinVar aggregate classification (germline): Uncertain significance (1 of 4 stars; one submission).

Conditions:
RNF2-related disorder. Also called: RNF2-related condition.

Submission:

PreventionGenetics, part of Exact Sciences
Classification: Uncertain significance for RNF2-related condition. Last evaluated: 2025-10-22. Review status: criteria provided, single submitter. Criteria: ACMG Guidelines, 2015. Collection method: clinical testing. Allele origin: germline.
Comment: The RNF2 c.91G>A variant is predicted to result in the amino acid substitution p.Ala31Thr. To our knowledge, this variant has not been reported in the literature. This variant is absent in a large population database (gnomAD), indicating this variant is rare. At this time, the clinical significance of this variant is uncertain due to the absence of conclusive functional and genetic evidence.

NM_007212.4(RNF2):c.91G>A (p.Ala31Thr)

Gene: RNF2 (ring finger protein 2; plus strand). Cytogenetic location: 1q25.3.
Variant type: single nucleotide variant.
Coding change: c.91G>A on transcript NM_007212.4 (MANE Select); coding-DNA position 91, G replaced by A.
Protein change: p.Ala31Thr; replaces alanine 31 with threonine.
Molecular consequence: missense variant.
Genome position (GRCh38, 1-based): chr1:185,091,582, G>A. VCF-style: chr1-185091582-G-A. GRCh37 (hg19) VCF-style: chr1-185060714-G-A.
Other names: short protein forms A31T.
Identifiers: ClinVar variation 4995423 (VCV004995423.1).
Genomic context (GRCh38, chr1:185,091,582, plus strand): 5'-AGCTTGTCCATAATAAAAAATTAAGTAGCTTTTAATTTTAAAGTGACTCTTTTACAGGAG[G>A]CAATAACAGATGGCTTAGAAATTGTGGTTTCACCTCGAAGTCTACACAGTGAATTAATGT-3'
Protein context (NP_009143.1, residues 21-41): LYELQRTPQE[Ala31Thr]ITDGLEIVVS